The following is an entry in ClinVar:

ClinVar aggregate classification (germline): Uncertain significance. Review status: criteria provided, multiple submitters, no conflicts (2 of 4 stars). 5 submissions from 5 submitters: Uncertain significance (5). Last evaluated 2026-08-01.

Conditions:
Retinitis pigmentosa 43 (RP43). Identifiers: Orphanet 791, MedGen C3151139, MONDO:0013437, OMIM 613810.
PDE6A-related disorder. Also called: PDE6A-related condition.

Allele frequency attached by ClinVar (database versions not stated): 1000 Genomes Project 30x 0.00016; 1000 Genomes Project 0.00020; ExAC 0.00021; gnomAD exomes 0.00023 and 0.00062; TOPMed 0.00035; gnomAD 0.00036; ESP Exome Variant Server 0.00046.
gnomAD v4.1: 951 of 1,614,160 alleles (0.059%); highest among the groups gnomAD compares: Non-Finnish European, 0.076%; no homozygotes.

Submissions (5):

PreventionGenetics, part of Exact Sciences
Classification: Uncertain significance for PDE6A-related condition. Last evaluated: 2026-08-01. Review status: criteria provided, single submitter. Criteria: ACMG Guidelines, 2015. Collection method: clinical testing. Allele origin: germline.
Comment: The PDE6A c.2144T>C variant is predicted to result in the amino acid substitution p.Met715Thr. This variant was reported in the heterozygous state in an individual with retinitis pigmentosa; no second possible causative variant in the gene was identified (García Bohórquez et al. 2021. PubMed ID: 34327195). This variant was also described in a cohort of individuals with retinal disease, but the patient harbored likely causative variants in a different gene (supplementary data, Zhu et al. 2022. PubMed ID: 35456422). This variant is reported in 0.041% of alleles in individuals of European (Non-Finnish) descent in gnomAD. At this time, the clinical significance of this variant is uncertain due to the absence of conclusive functional and genetic evidence.

Blueprint Genetics
Classification: Uncertain significance. Last evaluated: 2024-03-26. Review status: criteria provided, single submitter. Criteria: ACMG Guidelines, 2015. Collection method: clinical testing. Allele origin: germline.

Labcorp Genetics (formerly Invitae), Labcorp
Classification: Uncertain significance. Last evaluated: 2022-10-05. Review status: criteria provided, single submitter. Criteria: Invitae Variant Classification Sherloc (09022015). Collection method: clinical testing. Allele origin: germline.
Comment: This sequence change replaces methionine, which is neutral and non-polar, with threonine, which is neutral and polar, at codon 715 of the PDE6A protein (p.Met715Thr). This variant is present in population databases (rs144970068, gnomAD 0.04%). This variant has not been reported in the literature in individuals affected with PDE6A-related conditions. ClinVar contains an entry for this variant (Variation ID: 846166). Advanced modeling of protein sequence and biophysical properties (such as structural, functional, and spatial information, amino acid conservation, physicochemical variation, residue mobility, and thermodynamic stability) performed at Invitae indicates that this missense variant is expected to disrupt PDE6A protein function. In summary, the available evidence is currently insufficient to determine the role of this variant in disease. Therefore, it has been classified as a Variant of Uncertain Significance.

Fulgent Genetics
Classification: Uncertain significance for Retinitis pigmentosa 43. Last evaluated: 2022-05-02. Review status: criteria provided, single submitter. Criteria: ACMG Guidelines, 2015. Collection method: clinical testing. Allele origin: unknown.

Department of Pathology and Laboratory Medicine, Sinai Health System
Classification: Uncertain significance for Retinitis pigmentosa 43. Last evaluated: 2021-07-30. Review status: criteria provided, single submitter. Criteria: ACMG Guidelines, 2015. Collection method: research. Allele origin: germline.

NM_000440.3(PDE6A):c.2144T>C (p.Met715Thr)

Gene: PDE6A (phosphodiesterase 6A; minus strand). Cytogenetic location: 5q32.
Variant type: single nucleotide variant.
Coding change: c.2144T>C on transcript NM_000440.3 (MANE Select); coding-DNA position 2144, T replaced by C.
Protein change: p.Met715Thr; replaces methionine 715 with threonine.
Molecular consequence: missense variant.
Genome position (GRCh38, 1-based): chr5:149,868,150, A>G on the plus strand (T>C on the coding strand, the complement: PDE6A is on the minus strand). VCF-style: chr5-149868150-A-G. GRCh37 (hg19) VCF-style: chr5-149247713-A-G.
Other names: short protein forms M715T.
Identifiers: ClinVar variation 846166 (VCV000846166.8), dbSNP rs144970068, ClinGen allele CA3504388.